The following is an entry in ClinVar:

NM_000303.3(PMM2):c.227A>G (p.Tyr76Cys)

Gene: PMM2 (phosphomannomutase 2; plus strand). Cytogenetic location: 16p13.2.
Variant type: single nucleotide variant.
Coding change: c.227A>G on transcript NM_000303.3 (MANE Select); coding-DNA position 227, A replaced by G.
Protein change: p.Tyr76Cys; replaces tyrosine 76 with cysteine.
Molecular consequence: missense variant.
Genome position (GRCh38, 1-based): chr16:8,804,815, A>G. VCF-style: chr16-8804815-A-G. GRCh37 (hg19) VCF-style: chr16-8898672-A-G.
Other names: short protein forms Y76C.
Identifiers: ClinVar variation 3339259 (VCV003339259.1).

ClinVar aggregate classification (germline): Uncertain significance (1 of 4 stars; one submission).

gnomAD v4.1: 4 of 1,612,728 alleles (0.00025%); highest among the groups gnomAD compares: Non-Finnish European, 0.00034%; no homozygotes.

Submission:

Women's Health and Genetics/Laboratory Corporation of America, LabCorp
Classification: Uncertain significance. Last evaluated: 2024-07-29. Review status: criteria provided, single submitter. Criteria: LabCorp Variant Classification Summary - May 2015. Collection method: clinical testing. Allele origin: germline.
Comment: Variant summary: PMM2 c.227A>G (p.Tyr76Cys) results in a non-conservative amino acid change in the encoded protein sequence. Five of five in-silico tools predict a damaging effect of the variant on protein function. The variant was absent in 251408 control chromosomes (gnomAD). c.227A>G has been reported in the literature in at least an individual affected with congenital disorder of glycosylation type 1a (examples: Briones_2002, Francisco_2020). These data indicate that the variant may be associated with disease. The following publications have been ascertained in the context of this evaluation (PMID: 12705494, 32635232, 11058895, 28139241). No submitters have cited clinical-significance assessments for this variant to ClinVar. Based on the evidence outlined above, the variant was classified as VUS-possibly pathogenic.

Literature cited by the submitters: PubMed 28139241; PubMed 11058895; PubMed 12705494; PubMed 32635232.